The following is an entry in ClinVar:

NM_007255.3(B4GALT7):c.412A>C (p.Arg138=)

Gene: B4GALT7 (beta-1,4-galactosyltransferase 7; plus strand). Cytogenetic location: 5q35.3.
Variant type: single nucleotide variant.
Coding change: c.412A>C on transcript NM_007255.3 (MANE Select); coding-DNA position 412, A replaced by C.
Protein change: p.Arg138=; no amino-acid change (arginine 138 retained).
Molecular consequence: synonymous variant.
Genome position (GRCh38, 1-based): chr5:177,604,540, A>C. VCF-style: chr5-177604540-A-C. GRCh37 (hg19) VCF-style: chr5-177031541-A-C.
Other names: p.Arg138=.
Identifiers: ClinVar variation 809853 (VCV000809853.42), dbSNP rs1581992878, ClinGen allele CA447985230.

ClinVar aggregate classification (germline): Uncertain significance. Review status: criteria provided, multiple submitters, no conflicts (2 of 4 stars). 2 submissions from 2 submitters: Uncertain significance (2). Last evaluated 2025-04-30.

gnomAD v4.1: 7 of 1,613,642 alleles (0.00043%); highest among the groups gnomAD compares: Non-Finnish European, 0.00059%; no homozygotes.

Submissions (2):

Mayo Clinic Laboratories, Mayo Clinic
Classification: Uncertain significance. Last evaluated: 2025-04-30. Review status: criteria provided, single submitter. Criteria: ACMG Guidelines, 2015. Collection method: clinical testing. Allele origin: germline. Observed: 2 variant alleles.
Comment: PP3, PM2_supporting

CeGaT Center for Human Genetics Tuebingen
Classification: Uncertain significance. Last evaluated: 2019-01-01. Review status: criteria provided, single submitter. Criteria: CeGaT Center For Human Genetics Tuebingen Variant Classification Criteria Version 2. Collection method: clinical testing. Allele origin: germline. Affected: yes. Observed: 1 variant allele.